The following is an entry in ClinVar:

NM_000059.4(BRCA2):c.6339C>G (p.Asn2113Lys)

Gene: BRCA2 (BRCA2 DNA repair associated; plus strand). Cytogenetic location: 13q13.1.
Variant type: single nucleotide variant.
Coding change: c.6339C>G on transcript NM_000059.4 (MANE Select); coding-DNA position 6339, C replaced by G.
Protein change: p.Asn2113Lys; replaces asparagine 2113 with lysine.
Molecular consequence: missense variant. On other transcripts: non-coding transcript variant (1), intron variant (2).
Genome position (GRCh38, 1-based): chr13:32,340,694, C>G. VCF-style: chr13-32340694-C-G. GRCh37 (hg19) VCF-style: chr13-32914831-C-G.
Other names: c.6339C>G, p.Asn2113Lys (NM_001406719.1, NM_001406720.1, NM_001432077.1); c.1910-3864C>G (NM_001406721.1); c.425-3864C>G (NM_001406722.1); short protein forms N2113K.
Identifiers: ClinVar variation 4856484 (VCV004856484.1).

ClinVar aggregate classification (germline): Likely benign (1 of 4 stars; one submission).

Conditions:
Breast-ovarian cancer, familial, susceptibility to, 2 (BROVCA2). Also called: BRCA2 Hereditary Breast and Ovarian Cancer. Identifiers: Orphanet 145, MedGen C2675520, MONDO:0012933, OMIM 612555. Disease mechanism: loss of function.

gnomAD v4.1: 1 of 1,609,108 alleles (0.000062%); highest among the groups gnomAD compares: Non-Finnish European, 0.000085%; no homozygotes.

Submission:

Cancer Bioinformatics and Tumour Evolution Laboratory, Monash University
Classification: Likely benign for Breast-ovarian cancer, familial, susceptibility to, 2. Last evaluated: 2026-05-01. Review status: criteria provided, single submitter. Criteria: ClinGen BRCA1 and BRCA2 Guidelines, 2024. Collection method: curation. Allele origin: germline. Inheritance: Autosomal dominant inheritance.
Comment: Missense variant outside of a functional domain with no splice impact. BRCA1 and BRCA2 VCEP guidelines recommend application of BP1_Strong (PMID: 39142283)